The following is an entry in ClinVar:

ClinVar aggregate classification (germline): Uncertain significance (1 of 4 stars; one submission).

Submission:

GeneDx
Classification: Uncertain significance. Last evaluated: 2025-04-17. Review status: criteria provided, single submitter. Criteria: GeneDx Variant Classification Process June 2021. Collection method: clinical testing. Allele origin: germline. Affected: yes.
Comment: Not observed at significant frequency in large population cohorts (gnomAD); In silico analysis supports that this missense variant has a deleterious effect on protein structure/function; Has not been previously published as pathogenic or benign to our knowledge

NM_003660.4(PPFIA3):c.2536T>G (p.Trp846Gly)

Gene: PPFIA3 (PPFI scaffold protein A3; plus strand). Cytogenetic location: 19q13.33.
Variant type: single nucleotide variant.
Coding change: c.2536T>G on transcript NM_003660.4 (MANE Select); coding-DNA position 2536, T replaced by G.
Protein change: p.Trp846Gly; replaces tryptophan 846 with glycine.
Molecular consequence: missense variant. On other transcripts: non-coding transcript variant (1).
Genome position (GRCh38, 1-based): chr19:49,142,107, T>G. VCF-style: chr19-49142107-T-G. GRCh37 (hg19) VCF-style: chr19-49645364-T-G.
Other names: short protein forms W846G.
Identifiers: ClinVar variation 4282311 (VCV004282311.1).